The following is an entry in ClinVar:

NM_000441.2(SLC26A4):c.765+3A>T

Gene: SLC26A4 (solute carrier family 26 member 4; plus strand). Cytogenetic location: 7q22.3.
Variant type: single nucleotide variant.
Coding change: c.765+3A>T on transcript NM_000441.2 (MANE Select); 3 bases into the intron after coding-DNA position 765, A replaced by T.
Molecular consequence: intron variant.
Genome position (GRCh38, 1-based): chr7:107,675,112, A>T. VCF-style: chr7-107675112-A-T. GRCh37 (hg19) VCF-style: chr7-107315557-A-T.
Other names: c.765+3A>T (NM_000441.1).
Identifiers: ClinVar variation 1454511 (VCV001454511.6), dbSNP rs483353048, ClinGen allele CA164200180.
Genomic context (GRCh38, chr7:107,675,112, plus strand): 5'-AAAGATTGTCCTCAATGTTTCAACCAAAAACTACAATGGAGTTCTCTCTATTATCTATGT[A>T]AGTGTTGCTTCTTGCTCCAGGGATGGGTCACTGTTCATTCCAGAAACAATTGTATTCATT-3'

ClinVar aggregate classification (germline): Pathogenic/Likely pathogenic. Review status: criteria provided, multiple submitters, no conflicts (2 of 4 stars). 2 submissions from 2 submitters: Pathogenic (1); Likely pathogenic (1). Last evaluated 2023-04-21.

Conditions:
Pendred syndrome (PDS). Also called: THYROID DYSHORMONOGENESIS 2B; THYROID HORMONOGENESIS, GENETIC DEFECT IN, 2B; DEAFNESS WITH GOITER; GOITER-DEAFNESS SYNDROME; HYPOTHYROIDISM, CONGENITAL, DUE TO DYSHORMONOGENESIS, 2B; Pendred Syndrome (PDS). Identifiers: Orphanet 705, MedGen C0271829, MONDO:0010134, OMIM 274600.

gnomAD v4.1: 4 of 1,613,318 alleles (0.00025%); highest among the groups gnomAD compares: Non-Finnish European, 0.00034%; no homozygotes.

Submissions (2):

Women's Health and Genetics/Laboratory Corporation of America, LabCorp
Classification: Likely pathogenic for Pendred syndrome. Last evaluated: 2023-04-21. Review status: criteria provided, single submitter. Criteria: LabCorp Variant Classification Summary - May 2015. Collection method: clinical testing. Allele origin: germline.
Comment: Variant summary: SLC26A4 c.765+3A>T alters a conserved nucleotide located close to a canonical splice site and therefore could affect mRNA splicing, leading to a significantly altered protein sequence. Several computational tools predict a significant impact on normal splicing: Three predict the variant abolishes a canonical 5' splicing donor site and one predicts it weakens the 5' donor site. At least two publications report experimental evidence that this variant indeed affects mRNA splicing, causing the skipping of exon 6, which is predicted to result in an in-frame deletion of the exon. The variant was absent in 251098 control chromosomes (gnomAD). c.765+3A>T has been reported in the literature in the compound heterozygous state in an individual affected with Pendred Syndrome (Rendtorff_2013) and in the heterozygous state in a pair of siblings with early-onset non-syndromic hearing loss (Hutchin_2005). One clinical diagnostic laboratory has submitted a clinical-significance assessment for this variant to ClinVar after 2014 and classified the variant as pathogenic. Based on the evidence outlined above, the variant was classified as likely pathogenic.

Labcorp Genetics (formerly Invitae), Labcorp
Classification: Pathogenic. Last evaluated: 2021-09-24. Review status: criteria provided, single submitter. Criteria: Invitae Variant Classification Sherloc (09022015). Collection method: clinical testing. Allele origin: germline.
Comment: This variant has been observed in individual(s) with clinical features of SLC26A4-related conditions (PMID: 16283880, 23336812). In at least one individual the data is consistent with the variant being in trans (on the opposite chromosome) from a pathogenic variant. For these reasons, this variant has been classified as Pathogenic. This variant disrupts a region of the SLC26A4 protein in which other variant(s) (p.Gln235Arg) have been determined to be pathogenic (PMID: 9618166, 10861298, 12354788, 15689455, 22717225). This suggests that this is a clinically significant region of the protein, and that variants that disrupt it are likely to be disease-causing. Variants that disrupt the consensus splice site are a relatively common cause of aberrant splicing (PMID: 17576681, 9536098). Studies have shown that this variant results in skipping of exon 6, but is expected to preserve the integrity of the reading-frame (PMID: 23336812). This variant is also known as IVS6+3A>T. This variant is not present in population databases (ExAC no frequency). This sequence change falls in intron 6 of the SLC26A4 gene. It does not directly change the encoded amino acid sequence of the SLC26A4 protein. RNA analysis indicates that this variant induces altered splicing and likely results in a shortened protein product.

Literature cited by the submitters: PubMed 16283880 (cited by Women's Health and Genetics/Laboratory Corporation of America, LabCorp and Labcorp Genetics (formerly Invitae), Labcorp); PubMed 31033086 (cited by Women's Health and Genetics/Laboratory Corporation of America, LabCorp); PubMed 23336812 (cited by Women's Health and Genetics/Laboratory Corporation of America, LabCorp and Labcorp Genetics (formerly Invitae), Labcorp); PubMed 34632506 (cited by Women's Health and Genetics/Laboratory Corporation of America, LabCorp); PubMed 31633822 (cited by Women's Health and Genetics/Laboratory Corporation of America, LabCorp); PubMed 9618166 (cited by Labcorp Genetics (formerly Invitae), Labcorp); PubMed 10861298 (cited by Labcorp Genetics (formerly Invitae), Labcorp); PubMed 12354788 (cited by Labcorp Genetics (formerly Invitae), Labcorp); PubMed 15689455 (cited by Labcorp Genetics (formerly Invitae), Labcorp); PubMed 22717225 (cited by Labcorp Genetics (formerly Invitae), Labcorp); PubMed 17576681 (cited by Labcorp Genetics (formerly Invitae), Labcorp); PubMed 9536098 (cited by Labcorp Genetics (formerly Invitae), Labcorp).